The following is an entry in ClinVar:

ClinVar aggregate classification (germline): Uncertain significance. Review status: criteria provided, multiple submitters, no conflicts (2 of 4 stars). 2 submissions from 2 submitters: Uncertain significance (2). Last evaluated 2024-06-29.

Conditions:
Hereditary cancer-predisposing syndrome. Also called: Neoplastic Syndromes, Hereditary; Tumor predisposition; Hereditary neoplastic syndrome; Hereditary Cancer Syndrome. Identifiers: Orphanet 140162, MedGen C0027672, MeSH D009386, MONDO:0015356.

gnomAD v4.1: 3 of 1,613,676 alleles (0.00019%); highest among the groups gnomAD compares: Non-Finnish European, 0.00025%; no homozygotes.

Submissions (2):

Ambry Genetics
Classification: Uncertain significance for Hereditary cancer-predisposing syndrome. Last evaluated: 2024-06-29. Review status: criteria provided, single submitter. Criteria: Ambry Variant Classification Scheme 2023. Collection method: clinical testing. Allele origin: germline.
Comment: The p.E995D variant (also known as c.2985G>C), located in coding exon 21 of the MSH3 gene, results from a G to C substitution at nucleotide position 2985. The glutamic acid at codon 995 is replaced by aspartic acid, an amino acid with highly similar properties. This amino acid position is highly conserved in available vertebrate species. In addition, this alteration is predicted to be deleterious by in silico analysis. Since supporting evidence is limited at this time, the clinical significance of this alteration remains unclear.

Labcorp Genetics (formerly Invitae), Labcorp
Classification: Uncertain significance. Last evaluated: 2022-05-12. Review status: criteria provided, single submitter. Criteria: Invitae Variant Classification Sherloc (09022015). Collection method: clinical testing. Allele origin: germline.
Comment: This sequence change replaces glutamic acid, which is acidic and polar, with aspartic acid, which is acidic and polar, at codon 995 of the MSH3 protein (p.Glu995Asp). This variant is not present in population databases (gnomAD no frequency). This variant has not been reported in the literature in individuals affected with MSH3-related conditions. ClinVar contains an entry for this variant (Variation ID: 642945). Algorithms developed to predict the effect of missense changes on protein structure and function (SIFT, PolyPhen-2, Align-GVGD) all suggest that this variant is likely to be tolerated. In summary, the available evidence is currently insufficient to determine the role of this variant in disease. Therefore, it has been classified as a Variant of Uncertain Significance.

NM_002439.5(MSH3):c.2985G>C (p.Glu995Asp)

Gene: MSH3 (mutS homolog 3; plus strand). Cytogenetic location: 5q14.1.
Variant type: single nucleotide variant.
Coding change: c.2985G>C on transcript NM_002439.5 (MANE Select); coding-DNA position 2985, G replaced by C.
Protein change: p.Glu995Asp; replaces glutamic acid 995 with aspartic acid.
Molecular consequence: missense variant.
Genome position (GRCh38, 1-based): chr5:80,854,301, G>C. VCF-style: chr5-80854301-G-C. GRCh37 (hg19) VCF-style: chr5-80150120-G-C.
Other names: short protein forms E995D.
Identifiers: ClinVar variation 642945 (VCV000642945.10), dbSNP rs1324032838, ClinGen allele CA360275829.
Genomic context (GRCh38, chr5:80,854,301, plus strand): 5'-TGAACTAGGAAGAGGGACGAGCACTCATGATGGAATTGCCATTGCCTATGCTACACTTGA[G>C]TATTTCATCAGAGATGTAAGTATCCGGTAAACTGTATTTAAAAAGAAATTAATTTGTAAA-3'
Protein context (NP_002430.3, residues 985-1005): DGIAIAYATL[Glu995Asp]YFIRDVKSLT